The following is an entry in ClinVar:

NM_024757.5(EHMT1):c.505C>T (p.Pro169Ser)

Gene: EHMT1 (euchromatic histone lysine methyltransferase 1; plus strand). Cytogenetic location: 9q34.3.
Variant type: single nucleotide variant.
Coding change: c.505C>T on transcript NM_024757.5 (MANE Select); coding-DNA position 505, C replaced by T.
Protein change: p.Pro169Ser; replaces proline 169 with serine.
Molecular consequence: missense variant.
Genome position (GRCh38, 1-based): chr9:137,717,045, C>T. VCF-style: chr9-137717045-C-T. GRCh37 (hg19) VCF-style: chr9-140611497-C-T.
Other names: c.505C>T, p.Pro169Ser (NM_001145527.2, NM_001354263.2, NM_001354611.2); c.412C>T, p.Pro138Ser (NM_001354259.2, NM_001354612.2); short protein forms P138S, P169S.
Identifiers: ClinVar variation 952285 (VCV000952285.11), dbSNP rs770718072, ClinGen allele CA5374325.
Genomic context (GRCh38, chr9:137,717,045, plus strand): 5'-GGCCATGCTGCAAAAACCCTTCCTGGAGGGGCTGGCAAAGGCAGGACTCCAAGCGCTTTT[C>T]CCCAGACGCCAGCCGCCCCACCAGCCACCCTTGGGGAGGGGAGTGCTGACACAGAGGACA-3'
Protein context (NP_079033.4, residues 159-179): AGKGRTPSAF[Pro169Ser]QTPAAPPATL

ClinVar aggregate classification (germline): Conflicting classifications of pathogenicity. Review status: criteria provided, conflicting classifications (1 of 4 stars). 2 submissions from 2 submitters: Uncertain significance (1); Benign (1). Last evaluated 2024-02-23.

Conditions:
Kleefstra syndrome 1 (KLEFS1). Identifiers: Orphanet 261494, MedGen C0795833, MONDO:0027407, OMIM 610253.

Allele frequency attached by ClinVar (database versions not stated): gnomAD exomes below 0.00001; ExAC 0.00001; gnomAD 0.00001.
gnomAD v4.1: 13 of 1,606,852 alleles (0.00081%); highest among the groups gnomAD compares: African/African-American, 0.0013%; no homozygotes.

Submissions (2):

Labcorp Genetics (formerly Invitae), Labcorp
Classification: Benign for Kleefstra syndrome 1. Last evaluated: 2024-02-23. Review status: criteria provided, single submitter. Criteria: Invitae Variant Classification Sherloc (09022015). Collection method: clinical testing. Allele origin: germline.

GeneDx
Classification: Uncertain significance. Last evaluated: 2022-05-03. Review status: criteria provided, single submitter. Criteria: GeneDx Variant Classification Process June 2021. Collection method: clinical testing. Allele origin: germline. Affected: yes.
Comment: Not observed at significant frequency in large population cohorts (gnomAD); In silico analysis supports that this missense variant does not alter protein structure/function; Has not been previously published as pathogenic or benign to our knowledge